The following is an entry in ClinVar:

NM_005475.3(SH2B3):c.379C>T (p.Pro127Ser)

Gene: SH2B3 (SH2B adaptor protein 3; plus strand). Cytogenetic location: 12q24.12.
Variant type: single nucleotide variant.
Coding change: c.379C>T on transcript NM_005475.3 (MANE Select); coding-DNA position 379, C replaced by T.
Protein change: p.Pro127Ser; replaces proline 127 with serine.
Molecular consequence: missense variant.
Genome position (GRCh38, 1-based): chr12:111,418,524, C>T. VCF-style: chr12-111418524-C-T. GRCh37 (hg19) VCF-style: chr12-111856328-C-T.
Other names: short protein forms P127S.
Identifiers: ClinVar variation 4630688 (VCV004630688.1).

ClinVar aggregate classification (germline): Uncertain significance (1 of 4 stars; one submission).

Conditions:
Inborn genetic diseases. Identifiers: MedGen C0950123, MeSH D030342.

Submission:

Ambry Genetics
Classification: Uncertain significance for Inborn genetic diseases. Last evaluated: 2025-09-19. Review status: criteria provided, single submitter. Criteria: Ambry Variant Classification Scheme 2023. Collection method: clinical testing. Allele origin: germline.
Comment: The p.P127S variant (also known as c.379C>T), located in coding exon 1 of the SH2B3 gene, results from a C to T substitution at nucleotide position 379. The proline at codon 127 is replaced by serine, an amino acid with similar properties. This amino acid position is conserved. In addition, this alteration is predicted to be tolerated by in silico analysis. Based on the available evidence, the clinical significance of this variant remains unclear.